The following is an entry in ClinVar:

NM_004982.4(KCNJ8):c.1166A>G (p.Asn389Ser)

Genes: KCNJ8-AS1 (KCNJ8 antisense RNA 1; plus strand), KCNJ8 (potassium inwardly rectifying channel subfamily J member 8; minus strand). Cytogenetic location: 12p12.1.
Variant type: single nucleotide variant.
Coding change: c.1166A>G on transcript NM_004982.4 (MANE Select); coding-DNA position 1166, A replaced by G.
Protein change: p.Asn389Ser; replaces asparagine 389 with serine.
Molecular consequence: missense variant.
Genome position (GRCh38, 1-based): chr12:21,765,832, T>C on the plus strand (A>G on the coding strand, the complement: KCNJ8 is on the minus strand). VCF-style: chr12-21765832-T-C. GRCh37 (hg19) VCF-style: chr12-21918766-T-C.
Other names: short protein forms N389S.
Identifiers: ClinVar variation 664966 (VCV000664966.8), dbSNP rs368674776, ClinGen allele CA233613550.
Genomic context (GRCh38, chr12:21,765,832, plus strand): 5'-TTTGGTACCATGAGGGAAGAATTGTTCCTTCGGATAGAATTGTTCCTCCTCATGGAATTG[T>C]TTCTTCTCATGGAGTTGCGCTTCCTCAGAGAATTTTGATGAGACAGTTCACTCTTTTGGA-3'
Protein context (NP_004973.1, residues 379-399): SLRKRNSMRR[Asn389Ser]NSMRRNNSIR

ClinVar aggregate classification (germline): Uncertain significance. Review status: criteria provided, multiple submitters, no conflicts (2 of 4 stars). 3 submissions from 3 submitters: Uncertain significance (3). Last evaluated 2025-03-03.

Conditions:
Brugada syndrome. Also called: Sudden unexplained nocturnal death syndrome; Sudden Unexplained Death Syndrome; Sudden Unexplained Nocturnal Death Syndrome (SUNDS); Sudden unexpected nocturnal death syndrome. Identifiers: Orphanet 130, MedGen C1142166, MONDO:0015263.
Cardiovascular phenotype. Identifiers: MedGen CN230736.

Allele frequency attached by ClinVar (database versions not stated): gnomAD exomes 0.00001; TOPMed 0.00001; ESP Exome Variant Server 0.00008.
gnomAD v4.1: 18 of 1,614,186 alleles (0.0011%); highest among the groups gnomAD compares: Middle Eastern, 0.13%; no homozygotes.

Submissions (3):

Labcorp Genetics (formerly Invitae), Labcorp
Classification: Uncertain significance for Brugada syndrome. Last evaluated: 2025-03-03. Review status: criteria provided, single submitter. Criteria: Invitae Variant Classification Sherloc (09022015). Collection method: clinical testing. Allele origin: germline.
Comment: This sequence change replaces asparagine, which is neutral and polar, with serine, which is neutral and polar, at codon 389 of the KCNJ8 protein (p.Asn389Ser). This variant is present in population databases (rs368674776, gnomAD 0.0009%). This variant has not been reported in the literature in individuals affected with KCNJ8-related conditions. ClinVar contains an entry for this variant (Variation ID: 664966). Invitae Evidence Modeling of protein sequence and biophysical properties (such as structural, functional, and spatial information, amino acid conservation, physicochemical variation, residue mobility, and thermodynamic stability) indicates that this missense variant is not expected to disrupt KCNJ8 protein function with a negative predictive value of 95%. In summary, the available evidence is currently insufficient to determine the role of this variant in disease. Therefore, it has been classified as a Variant of Uncertain Significance.

Ambry Genetics
Classification: Uncertain significance for Cardiovascular phenotype. Last evaluated: 2023-11-27. Review status: criteria provided, single submitter. Criteria: Ambry Variant Classification Scheme 2023. Collection method: clinical testing. Allele origin: germline.

GeneDx
Classification: Uncertain significance. Last evaluated: 2023-04-02. Review status: criteria provided, single submitter. Criteria: GeneDx Variant Classification Process June 2021. Collection method: clinical testing. Allele origin: germline. Affected: yes.
Comment: Has not been previously published as pathogenic or benign to our knowledge; In silico analysis supports that this missense variant does not alter protein structure/function; Variants in candidate genes are classified as variants of uncertain significance in accordance with ACMG guidelines (Richards et al., 2015)